The following is an entry in ClinVar:

ClinVar aggregate classification (germline): Pathogenic (1 of 4 stars; one submission).

Submission:

GeneDx
Classification: Pathogenic. Last evaluated: 2015-04-02. Review status: criteria provided, single submitter. Criteria: GeneDx Variant Classification (06012015). Collection method: clinical testing. Allele origin: germline. Affected: yes.
Comment: The Q887X variant in the CREEBP gene has not been reported previously as a pathogenic variantnor as a benign polymorphism, to our knowledge. This variant is predicted to cause loss of normal protein function either through protein truncation or nonsense-mediated mRNA decay. The Q887X variant was not observed in approximately 6500 individuals of European and African American ancestry in the NHLBI Exome Sequencing Project, indicating it is not a common benign variant in these populations. We interpret Q887X as a pathogenic variant.

NM_004380.3(CREBBP):c.2659C>T (p.Gln887Ter)

Gene: CREBBP (CREB binding protein; minus strand). Cytogenetic location: 16p13.3.
Variant type: single nucleotide variant.
Coding change: c.2659C>T on transcript NM_004380.3 (MANE Select); coding-DNA position 2659, C replaced by T.
Protein change: p.Gln887Ter; replaces glutamine 887 with a stop codon.
Molecular consequence: nonsense.
Genome position (GRCh38, 1-based): chr16:3,770,791, G>A on the plus strand (C>T on the coding strand, the complement: CREBBP is on the minus strand). VCF-style: chr16-3770791-G-A. GRCh37 (hg19) VCF-style: chr16-3820792-G-A.
Other names: c.2545C>T, p.Gln849Ter (NM_001079846.1); short protein forms Q887*, Q849*.
Identifiers: ClinVar variation 379373 (VCV000379373.2), dbSNP rs1057520589, ClinGen allele CA16607300.